The following is an entry in ClinVar:

ClinVar aggregate classification (germline): Likely pathogenic (1 of 4 stars; one submission).

Allele frequency attached by ClinVar (database versions not stated): gnomAD exomes below 0.00001.
gnomAD v4.1: 3 of 1,502,164 alleles (0.0002%); highest among the groups gnomAD compares: Admixed American, 0.0038%; no homozygotes.

Submission:

Labcorp Genetics (formerly Invitae), Labcorp
Classification: Likely pathogenic. Last evaluated: 2022-11-01. Review status: criteria provided, single submitter. Criteria: Invitae Variant Classification Sherloc (09022015). Collection method: clinical testing. Allele origin: germline.
Comment: In summary, the currently available evidence indicates that the variant is pathogenic, but additional data are needed to prove that conclusively. Therefore, this variant has been classified as Likely Pathogenic. Algorithms developed to predict the effect of sequence changes on RNA splicing suggest that this variant may disrupt the consensus splice site. This variant has not been reported in the literature in individuals affected with CEP78-related conditions. The frequency data for this variant in the population databases is considered unreliable, as metrics indicate poor data quality at this position in the gnomAD database. This sequence change affects a donor splice site in intron 6 of the CEP78 gene. It is expected to disrupt RNA splicing. Variants that disrupt the donor or acceptor splice site typically lead to a loss of protein function (PMID: 16199547), and loss-of-function variants in CEP78 are known to be pathogenic (PMID: 27588451, 27588452, 27627988).

Literature cited by the submitters: PubMed 16199547; PubMed 27588451; PubMed 27588452; PubMed 27627988.

NM_001330691.3(CEP78):c.892+1G>A

Gene: CEP78 (centrosomal protein 78; plus strand). Cytogenetic location: 9q21.2.
Variant type: single nucleotide variant.
Coding change: c.892+1G>A on transcript NM_001330691.3 (MANE Select); the canonical splice donor site of the intron after coding-DNA position 892, G replaced by A.
Molecular consequence: splice donor variant.
Genome position (GRCh38, 1-based): chr9:78,246,783, G>A. VCF-style: chr9-78246783-G-A. GRCh37 (hg19) VCF-style: chr9-80861699-G-A.
Other names: c.892+1G>A (NM_001349839.2, NM_001349840.2, NM_001330693.3 and 4 more transcripts).
Identifiers: ClinVar variation 2058388 (VCV002058388.4), dbSNP rs958872466, ClinGen allele CA194401592.